The following is an entry in ClinVar:

NM_001201543.2(FAM161A):c.1321dup (p.His441fs)

Gene: FAM161A (FAM161 centrosomal protein A; minus strand). Cytogenetic location: 2p15.
Variant type: Duplication.
Coding change: c.1321dup on transcript NM_001201543.2 (MANE Select); coding-DNA position 1321, one base duplicated (C; older notation c.1321dupC).
Protein change: p.His441fs; shifts the reading frame from histidine 441.
Molecular consequence: frameshift variant. On other transcripts: non-coding transcript variant (1).
Genome position (GRCh38, 1-based): chr2:61,839,683, G duplicated on the plus strand (C on the coding strand, the reverse complement: FAM161A is on the minus strand). VCF-style (leftmost placement, unchanged base first): chr2-61839682-T-TG. GRCh37 (hg19) VCF-style: chr2-62066817-T-TG.
Other names: c.1321dupC (NM_001201543.2, NM_001201543.1); c.1321dup, p.His441fs (NM_032180.3); short protein forms H441fs.
Identifiers: ClinVar variation 812322 (VCV000812322.29), dbSNP rs1316281505, ClinGen allele CA533181505.

ClinVar aggregate classification (germline): Pathogenic. Review status: criteria provided, multiple submitters, no conflicts (2 of 4 stars). 11 submissions from 11 submitters: Pathogenic (10). 1 of the submissions does not count toward it. Last evaluated 2026-01-12.

Conditions:
Inborn genetic diseases. Identifiers: MedGen C0950123, MeSH D030342.
Retinitis pigmentosa (RP). Identifiers: Orphanet 791, MedGen C0035334, MeSH D012174, MONDO:0019200, OMIM 268000. Inheritance: Autosomal dominant, autosomal recessive and X linked inheritance.
Retinitis pigmentosa 28 (RP28). Identifiers: Orphanet 791, MedGen C1419614, MONDO:0011630, OMIM 606068.
FAM161A-related disorder. Also called: FAM161A-related condition.

Allele frequency attached by ClinVar (database versions not stated): gnomAD 0.00001; gnomAD exomes 0.00001 and 0.00002; TOPMed 0.00002.

Submissions (11):

Women's Health and Genetics/Laboratory Corporation of America, LabCorp
Classification: Pathogenic for Retinitis pigmentosa. Last evaluated: 2026-01-12. Review status: criteria provided, single submitter. Criteria: LabCorp Variant Classification Summary - May 2015. Collection method: clinical testing. Allele origin: germline.
Comment: Variant summary: FAM161A c.1321dupC (p.His441ProfsX15) results in a premature termination codon, predicted to cause a truncation of the encoded protein or absence of the protein due to nonsense mediated decay, which are commonly known mechanisms for disease. The variant allele was found at a frequency of 8e-06 in 249454 control chromosomes. c.1321dupC has been observed in individual(s) affected with Retinitis Pigmentosa. These data indicate that the variant may be associated with disease. To our knowledge, no experimental evidence demonstrating an impact on protein function has been reported. The following publication have been ascertained in the context of this evaluation (PMID: 40900079). ClinVar contains an entry for this variant (Variation ID: 812322). Based on the evidence outlined above, the variant was classified as pathogenic.

Natera, Inc.
Classification: Pathogenic for Retinitis pigmentosa type 28. Last evaluated: 2025-11-21. Review status: criteria provided, single submitter. Criteria: Natera Variant Classification Schema (03/2026). Collection method: clinical testing. Allele origin: germline.
Comment: The c.1321dupC variant in FAM161A is a frameshift variant predicted to shift the reading frame beginning at codon 441 and leads to a stop codon 15 codons downstream. This variant is expected to result in nonsense mediated decay, truncation, or a dysfunctional protein product. This variant is rare in the general population with a frequency below the threshold expected for the associated phenotype(s). This variant has been observed in one or more individuals affected with the associated recessive disease, as either homozygous or compound heterozygous with a second variant (PMID: 40900079). Given the available evidence, this variant is classified as Pathogenic.

CeGaT Center for Human Genetics Tuebingen
Classification: Pathogenic. Last evaluated: 2025-11-01. Review status: criteria provided, single submitter. Criteria: CeGaT Center For Human Genetics Tuebingen Variant Classification Criteria Version 2. Collection method: clinical testing. Allele origin: germline. Affected: yes. Observed: 1 variant allele.
Comment: FAM161A: PVS1, PM2, PM3

3billion
Classification: Pathogenic for Retinitis pigmentosa 28. Last evaluated: 2025-07-11. Review status: criteria provided, single submitter. Criteria: ACMG Guidelines, 2015. Collection method: clinical testing. Allele origin: germline. Affected: yes.
Comment: The variant is observed at an extremely low frequency in the gnomAD v4.1.0 dataset (total allele frequency: <0.001%). Predicted Consequence/Location: Frameshift: predicted to result in a loss or disruption of normal protein function through nonsense-mediated decay (NMD) or protein truncation. Multiple pathogenic variants are reported downstream of the variant. The variant has been reported at least twice as pathogenic with clinical assertions and evidence for the classification (ClinVar ID: VCV000812322 /PMID: 31370859). Therefore, this variant is classified as Pathogenic according to the recommendation of ACMG/AMP guideline.

Myriad Genetics, Inc.
Classification: Pathogenic for Retinitis pigmentosa 28. Last evaluated: 2025-03-12. Review status: criteria provided, single submitter. Criteria: Myriad Autosomal Dominant, Autosomal Recessive and X-Linked Classification Criteria (2023). Collection method: clinical testing. Allele origin: unknown.
Comment: NM_001201543.1(FAM161A):c.1321dupC(H441Pfs*15) is a frameshift variant classified as pathogenic in the context of retinitis pigmentosa, FAM161A-related. H441Pfs*15 has been observed in a case with relevant disease (PMID: 31370859). Relevant functional assessments of this variant are not available in the literature. H441Pfs*15 has been observed in referenced population frequency databases. In summary, NM_001201543.1(FAM161A):c.1321dupC(H441Pfs*15) is a frameshift variant in a gene where loss of function is a known mechanism of disease, is predicted to disrupt protein function, and has been observed more frequently in cases with the relevant disease than in healthy populations. Please note: this variant was assessed in the context of healthy population screening.

Blueprint Genetics
Classification: Pathogenic for FAM161A-related disorders. Last evaluated: 2024-07-05. Review status: criteria provided, single submitter. Criteria: ACMG Guidelines, 2015. Collection method: clinical testing. Allele origin: germline. Affected: yes. Observed: 5 variant alleles.

Fulgent Genetics
Classification: Pathogenic for Retinitis pigmentosa 28. Last evaluated: 2024-03-06. Review status: criteria provided, single submitter. Criteria: ACMG Guidelines, 2015. Collection method: clinical testing. Allele origin: germline.

Labcorp Genetics (formerly Invitae), Labcorp
Classification: Pathogenic. Last evaluated: 2024-02-09. Review status: criteria provided, single submitter. Criteria: Invitae Variant Classification Sherloc (09022015). Collection method: clinical testing. Allele origin: germline.
Comment: This sequence change creates a premature translational stop signal (p.His441Profs*15) in the FAM161A gene. It is expected to result in an absent or disrupted protein product. Loss-of-function variants in FAM161A are known to be pathogenic (PMID: 20705278, 20705279, 24651477). This variant is present in population databases (no rsID available, gnomAD 0.002%). This variant has not been reported in the literature in individuals affected with FAM161A-related conditions. ClinVar contains an entry for this variant (Variation ID: 812322). For these reasons, this variant has been classified as Pathogenic.

Revvity Omics, Revvity
Classification: Pathogenic for Retinitis pigmentosa 28. Last evaluated: 2020-12-04. Review status: criteria provided, single submitter. Criteria: ACMG Guidelines, 2015. Collection method: clinical testing. Allele origin: germline.

Ambry Genetics
Classification: Pathogenic for Inborn genetic diseases. Last evaluated: 2017-12-01. Review status: criteria provided, single submitter. Criteria: Ambry exome assertion method (8-5-2015). Collection method: clinical testing. Allele origin: germline. Affected: yes. Observed: 1 variant allele.

Sharon lab, Hadassah-Hebrew University Medical Center
Classification: Pathogenic for Retinitis pigmentosa. Last evaluated: 2019-06-23. Review status: no assertion criteria provided. Collection method: research. Allele origin: inherited. Affected: yes. Not counted in ClinVar's aggregate classification.

Literature cited by the submitters: PubMed 40900079 (cited by Women's Health and Genetics/Laboratory Corporation of America, LabCorp and Natera, Inc.); PubMed 31370859 (cited by 3billion and Myriad Genetics, Inc.); PubMed 20705278 (cited by Labcorp Genetics (formerly Invitae), Labcorp); PubMed 20705279 (cited by Labcorp Genetics (formerly Invitae), Labcorp); PubMed 24651477 (cited by Labcorp Genetics (formerly Invitae), Labcorp).